The following is an entry in ClinVar:

ClinVar aggregate classification (germline): Conflicting classifications of pathogenicity. Review status: criteria provided, conflicting classifications (1 of 4 stars). 3 submissions from 3 submitters: Uncertain significance (2); Likely benign (1). Last evaluated 2025-12-09.

Conditions:
EP300-related disorder. Also called: EP300-related disorders; EP300-related condition.
Inborn genetic diseases. Identifiers: MedGen C0950123, MeSH D030342.
Rubinstein-Taybi syndrome due to EP300 haploinsufficiency. Also called: EP300-Related Rubinstein-Taybi Syndrome; RUBINSTEIN-TAYBI SYNDROME 2. Identifiers: Orphanet 353284, Orphanet 783, MedGen C3150941, MONDO:0013364, OMIM 613684.

Allele frequency attached by ClinVar (database versions not stated): gnomAD 0.00003; TOPMed 0.00005.
gnomAD v4.1: 7 of 1,614,078 alleles (0.00043%); highest among the groups gnomAD compares: Admixed American, 0.0067%; no homozygotes.

Submissions (3):

Labcorp Genetics (formerly Invitae), Labcorp
Classification: Likely benign for Rubinstein-Taybi syndrome due to EP300 haploinsufficiency. Last evaluated: 2025-12-09. Review status: criteria provided, single submitter. Criteria: Invitae Variant Classification Sherloc (09022015). Collection method: clinical testing. Allele origin: germline.

PreventionGenetics, part of Exact Sciences
Classification: Uncertain significance for EP300-related condition. Last evaluated: 2025-08-30. Review status: criteria provided, single submitter. Criteria: ACMG Guidelines, 2015. Collection method: clinical testing. Allele origin: germline.
Comment: The EP300 c.2093T>C variant is predicted to result in the amino acid substitution p.Val698Ala. To our knowledge, this variant has not been reported in the literature or in a large population database (gnomAD), indicating it is rare. At this time, the clinical significance of this variant is uncertain due to the absence of conclusive functional and genetic evidence.

Ambry Genetics
Classification: Uncertain significance for Inborn genetic diseases. Last evaluated: 2021-09-14. Review status: criteria provided, single submitter. Criteria: Ambry Variant Classification Scheme 2023. Collection method: clinical testing. Allele origin: germline.

NM_001429.4(EP300):c.2093T>C (p.Val698Ala)

Gene: EP300 (EP300 lysine acetyltransferase; plus strand). Cytogenetic location: 22q13.2.
Variant type: single nucleotide variant.
Coding change: c.2093T>C on transcript NM_001429.4 (MANE Select); coding-DNA position 2093, T replaced by C.
Protein change: p.Val698Ala; replaces valine 698 with alanine.
Molecular consequence: missense variant. On other transcripts: intron variant (1).
Genome position (GRCh38, 1-based): chr22:41,146,778, T>C. VCF-style: chr22-41146778-T-C. GRCh37 (hg19) VCF-style: chr22-41542782-T-C.
Other names: c.2054-1059T>C (NM_001362843.2); short protein forms V698A.
Identifiers: ClinVar variation 2249004 (VCV002249004.6), dbSNP rs980024399, ClinGen allele CA324533578.